The following is an entry in ClinVar:

NM_017780.4(CHD7):c.4136A>T (p.Asp1379Val)

Gene: CHD7 (chromodomain helicase DNA binding protein 7; plus strand). Cytogenetic location: 8q12.2.
Variant type: single nucleotide variant.
Coding change: c.4136A>T on transcript NM_017780.4 (MANE Select); coding-DNA position 4136, A replaced by T.
Protein change: p.Asp1379Val; replaces aspartic acid 1379 with valine.
Molecular consequence: missense variant. On other transcripts: intron variant (1).
Genome position (GRCh38, 1-based): chr8:60,836,963, A>T. VCF-style: chr8-60836963-A-T. GRCh37 (hg19) VCF-style: chr8-61749522-A-T.
Other names: c.1717-25266A>T (NM_001316690.1); short protein forms D1379V.
Identifiers: ClinVar variation 2412944 (VCV002412944.8), dbSNP rs1085307453, ClinGen allele CA371316917.

ClinVar aggregate classification (germline): Conflicting classifications of pathogenicity. Review status: criteria provided, conflicting classifications (1 of 4 stars). 2 submissions from 2 submitters: Likely pathogenic (1); Uncertain significance (1). Last evaluated 2026-02-01.

Submissions (2):

CeGaT Center for Human Genetics Tuebingen
Classification: Uncertain significance. Last evaluated: 2026-02-01. Review status: criteria provided, single submitter. Criteria: CeGaT Center For Human Genetics Tuebingen Variant Classification Criteria Version 2. Collection method: clinical testing. Allele origin: germline. Affected: yes. Observed: 1 variant allele.
Comment: CHD7: PM2, PP3, PS4:Supporting, BP1

GeneDx
Classification: Likely pathogenic. Last evaluated: 2025-07-21. Review status: criteria provided, single submitter. Criteria: GeneDx Variant Classification Process June 2021. Collection method: clinical testing. Allele origin: germline.
Comment: Identified in a proband with a neurodevelopmental disorder, however patient specific clinical information was not provided and confirmatory Sanger sequencing was not performed for the variant (PMID: 28191889); Not observed at significant frequency in large population cohorts (gnomAD); In silico analysis supports that this missense variant has a deleterious effect on protein structure/function; This variant is associated with the following publications: (PMID: 28191889)